The following is an entry in ClinVar:

NM_001163435.3(TBCK):c.1984A>G (p.Ile662Val)

Gene: TBCK (TBC1 domain containing kinase; minus strand). Cytogenetic location: 4q24.
Variant type: single nucleotide variant.
Coding change: c.1984A>G on transcript NM_001163435.3 (MANE Select); coding-DNA position 1984, A replaced by G.
Protein change: p.Ile662Val; replaces isoleucine 662 with valine.
Molecular consequence: missense variant.
Genome position (GRCh38, 1-based): chr4:106,193,684, T>C on the plus strand (A>G on the coding strand, the complement: TBCK is on the minus strand). VCF-style: chr4-106193684-T-C. GRCh37 (hg19) VCF-style: chr4-107114841-T-C.
Other names: c.1984A>G, p.Ile662Val (NM_001163436.4); c.1867A>G, p.Ile623Val (NM_001163437.3); c.1468A>G, p.Ile490Val (NM_001290768.2); c.1795A>G, p.Ile599Val (NM_033115.5); short protein forms I599V, I662V, I490V, I623V.
Identifiers: ClinVar variation 2107398 (VCV002107398.4), dbSNP rs747189857, ClinGen allele CA3034840.

ClinVar aggregate classification (germline): Uncertain significance (1 of 4 stars; one submission).

Allele frequency attached by ClinVar (database versions not stated): ExAC 0.00001; gnomAD exomes 0.00001.
gnomAD v4.1: 6 of 1,613,396 alleles (0.00037%); highest among the groups gnomAD compares: South Asian, 0.0066%; no homozygotes.

Submission:

Labcorp Genetics (formerly Invitae), Labcorp
Classification: Uncertain significance. Last evaluated: 2022-03-06. Review status: criteria provided, single submitter. Criteria: Invitae Variant Classification Sherloc (09022015). Collection method: clinical testing. Allele origin: germline.
Comment: This variant has not been reported in the literature in individuals affected with TBCK-related conditions. This sequence change replaces isoleucine, which is neutral and non-polar, with valine, which is neutral and non-polar, at codon 662 of the TBCK protein (p.Ile662Val). This variant is present in population databases (rs747189857, gnomAD 0.007%). Algorithms developed to predict the effect of missense changes on protein structure and function (SIFT, PolyPhen-2, Align-GVGD) all suggest that this variant is likely to be tolerated. In summary, the available evidence is currently insufficient to determine the role of this variant in disease. Therefore, it has been classified as a Variant of Uncertain Significance.